The following is an entry in ClinVar:

NM_002734.5(PRKAR1A):c.675C>A (p.Gly225=)

Gene: PRKAR1A (protein kinase cAMP-dependent type I regulatory subunit alpha; plus strand). Cytogenetic location: 17q24.2.
Variant type: single nucleotide variant.
Coding change: c.675C>A on transcript NM_002734.5 (MANE Select); coding-DNA position 675, C replaced by A.
Protein change: p.Gly225=; no amino-acid change (glycine 225 retained).
Molecular consequence: synonymous variant.
Genome position (GRCh38, 1-based): chr17:68,525,879, C>A. VCF-style: chr17-68525879-C-A. GRCh37 (hg19) VCF-style: chr17-66522020-C-A.
Other names: c.675C>A, p.Gly225= (NM_001276289.2, NM_001276290.1, NM_001278433.2 and 4 more transcripts).
Identifiers: ClinVar variation 239387 (VCV000239387.22), dbSNP rs150244650, ClinGen allele CA8729330.

ClinVar aggregate classification (germline): Likely benign. Review status: criteria provided, multiple submitters, no conflicts (2 of 4 stars). 5 submissions from 5 submitters: Likely benign (4). 1 of the submissions does not count toward it. Last evaluated 2025-12-30.

Conditions:
PRKAR1A-related disorder. Also called: PRKAR1A-related condition.
Hereditary cancer-predisposing syndrome. Also called: Neoplastic Syndromes, Hereditary; Hereditary neoplastic syndrome; Tumor predisposition; Hereditary Cancer Syndrome. Identifiers: Orphanet 140162, MedGen C0027672, MeSH D009386, MONDO:0015356.
Carney complex, type 1 (CNC1). Also called: CARNEY MYXOMA-ENDOCRINE COMPLEX; CARNEY COMPLEX, TYPE I. Identifiers: Orphanet 1359, MedGen C2607929, MONDO:0008057, OMIM 160980.

Allele frequency attached by ClinVar (database versions not stated): gnomAD exomes 0.00002; TOPMed 0.00003; ExAC 0.00005; ESP Exome Variant Server 0.00023.
gnomAD v4.1: 253 of 1,613,502 alleles (0.016%); highest among the groups gnomAD compares: Non-Finnish European, 0.021%; no homozygotes.

Submissions (5):

Labcorp Genetics (formerly Invitae), Labcorp
Classification: Likely benign for Carney complex, type 1. Last evaluated: 2025-12-30. Review status: criteria provided, single submitter. Criteria: Invitae Variant Classification Sherloc (09022015). Collection method: clinical testing. Allele origin: germline.

Women's Health and Genetics/Laboratory Corporation of America, LabCorp
Classification: Likely benign. Last evaluated: 2025-09-04. Review status: criteria provided, single submitter. Criteria: LabCorp Variant Classification Summary - May 2015. Collection method: clinical testing. Allele origin: germline.

Genetic Services Laboratory, University of Chicago
Classification: Likely benign. Last evaluated: 2021-10-06. Review status: criteria provided, single submitter. Criteria: ACMG Guidelines, 2015. Collection method: clinical testing. Allele origin: germline. Affected: no.

Ambry Genetics
Classification: Likely benign for Hereditary cancer-predisposing syndrome. Last evaluated: 2019-06-04. Review status: criteria provided, single submitter. Criteria: Ambry Variant Classification Scheme 2023. Collection method: clinical testing. Allele origin: germline.

PreventionGenetics, part of Exact Sciences
Classification: Likely benign for PRKAR1A-related condition. Last evaluated: 2023-11-29. Review status: no assertion criteria provided. Collection method: clinical testing. Allele origin: germline. Not counted in ClinVar's aggregate classification.
Comment: This variant is classified as likely benign based on ACMG/AMP sequence variant interpretation guidelines (Richards et al. 2015 PMID: 25741868, with internal and published modifications).